The following is an entry in ClinVar:

ClinVar aggregate classification (germline): Uncertain significance (1 of 4 stars; one submission).

Conditions:
Citrin deficiency. Identifiers: Orphanet 247582, MedGen C1997910, MONDO:0016602.

Allele frequency attached by ClinVar (database versions not stated): gnomAD 0.00010 and 0.00011; gnomAD exomes 0.00010 and 0.00005; ExAC 0.00005.
gnomAD v4.1: 162 of 1,611,808 alleles (0.01%); highest among the groups gnomAD compares: Non-Finnish European, 0.013%; 1 homozygote.

Submission:

Labcorp Genetics (formerly Invitae), Labcorp
Classification: Uncertain significance for Citrin deficiency. Last evaluated: 2022-01-27. Review status: criteria provided, single submitter. Criteria: Invitae Variant Classification Sherloc (09022015). Collection method: clinical testing. Allele origin: germline.
Comment: This sequence change falls in intron 9 of the SLC25A13 gene. It does not directly change the encoded amino acid sequence of the SLC25A13 protein. It affects a nucleotide within the consensus splice site. This variant is present in population databases (rs767051127, gnomAD 0.01%), including at least one homozygous and/or hemizygous individual. This variant has not been reported in the literature in individuals affected with SLC25A13-related conditions. Variants that disrupt the consensus splice site are a relatively common cause of aberrant splicing (PMID: 17576681, 9536098). Algorithms developed to predict the effect of sequence changes on RNA splicing suggest that this variant may disrupt the consensus splice site. In summary, the available evidence is currently insufficient to determine the role of this variant in disease. Therefore, it has been classified as a Variant of Uncertain Significance.

Literature cited by the submitters: PubMed 17576681; PubMed 9536098.

NM_014251.3(SLC25A13):c.934-3C>T

Gene: SLC25A13 (solute carrier family 25 member 13; minus strand). Cytogenetic location: 7q21.3.
Variant type: single nucleotide variant.
Coding change: c.934-3C>T on transcript NM_014251.3 (MANE Select); 3 bases into the intron before coding-DNA position 934, C replaced by T.
Molecular consequence: intron variant. On other transcripts: nonsense (1).
Genome position (GRCh38, 1-based): chr7:96,185,014, G>A on the plus strand (C>T on the coding strand, the complement: SLC25A13 is on the minus strand). VCF-style: chr7-96185014-G-A. GRCh37 (hg19) VCF-style: chr7-95814326-G-A.
Other names: c.934C>T, p.Gln312Ter (NM_001160210.2); short protein forms Q312*.
Identifiers: ClinVar variation 1519617 (VCV001519617.5), dbSNP rs767051127, ClinGen allele CA4353085.
Genomic context (GRCh38, chr7:96,185,014, plus strand): 5'-TGTAGGCCGACTCTGCAACTTGTAGAAGAACTGGTCGAGCTGAATCACCTGAGGCCTTCT[G>A]CTTTGCATGCACAGGAATCAGAGAGCAGGAAAACAGGTGACAGAAAAGAAGATAAAACAA-3'